The following is an entry in ClinVar:

ClinVar aggregate classification (germline): Uncertain significance (1 of 4 stars; one submission).

gnomAD v4.1: 1 of 1,613,892 alleles (0.000062%); highest among the groups gnomAD compares: South Asian, 0.0011%; no homozygotes.

Submission:

Labcorp Genetics (formerly Invitae), Labcorp
Classification: Uncertain significance. Last evaluated: 2025-03-24. Review status: criteria provided, single submitter. Criteria: Invitae Variant Classification Sherloc (09022015). Collection method: clinical testing. Allele origin: germline.
Comment: This sequence change replaces proline, which is neutral and non-polar, with threonine, which is neutral and polar, at codon 360 of the PPP2R5D protein (p.Pro360Thr). This variant is not present in population databases (gnomAD no frequency). This variant has not been reported in the literature in individuals affected with PPP2R5D-related conditions. An algorithm developed to predict the effect of missense changes on protein structure and function (PolyPhen-2) suggests that this variant is likely to be tolerated. In summary, the available evidence is currently insufficient to determine the role of this variant in disease. Therefore, it has been classified as a Variant of Uncertain Significance.

NM_006245.4(PPP2R5D):c.1078C>A (p.Pro360Thr)

Gene: PPP2R5D (protein phosphatase 2 regulatory subunit B'delta; plus strand). Cytogenetic location: 6p21.1.
Variant type: single nucleotide variant.
Coding change: c.1078C>A on transcript NM_006245.4 (MANE Select); coding-DNA position 1078, C replaced by A.
Protein change: p.Pro360Thr; replaces proline 360 with threonine.
Molecular consequence: missense variant.
Genome position (GRCh38, 1-based): chr6:43,008,744, C>A. VCF-style: chr6-43008744-C-A. GRCh37 (hg19) VCF-style: chr6-42976482-C-A.
Other names: c.625C>A, p.Pro209Thr (NM_001270476.2); c.982C>A, p.Pro328Thr (NM_180976.3); c.760C>A, p.Pro254Thr (NM_180977.3); short protein forms P360T, P254T, P209T, P328T.
Identifiers: ClinVar variation 3726420 (VCV003726420.2).